The following is an entry in ClinVar:

NM_001083603.3(PTCH1):c.82C>T (p.Arg28Trp)

Gene: PTCH1 (patched 1; minus strand). Cytogenetic location: 9q22.32.
Variant type: single nucleotide variant.
Coding change: c.82C>T on transcript NM_001083603.3 (MANE Plus Clinical); coding-DNA position 82, C replaced by T.
Protein change: p.Arg28Trp; replaces arginine 28 with tryptophan.
Molecular consequence: missense variant. On other transcripts: 5 prime UTR variant (2), genic upstream transcript variant (1).
Genome position (GRCh38, 1-based): chr9:95,516,739, G>A on the plus strand (C>T on the coding strand, the complement: PTCH1 is on the minus strand). VCF-style: chr9-95516739-G-A. GRCh37 (hg19) VCF-style: chr9-98279021-G-A.
Other names: c.-268C>T (NM_001083602.3, NM_001354919.2); c.-8378C>T (NM_000264.5); short protein forms R28W.
Identifiers: ClinVar variation 4535858 (VCV004535858.1).

ClinVar aggregate classification (germline): Uncertain significance (1 of 4 stars; one submission).

gnomAD v4.1: 28 of 1,612,672 alleles (0.0017%); highest among the groups gnomAD compares: Non-Finnish European, 0.0024%; no homozygotes.

Submission:

Women's Health and Genetics/Laboratory Corporation of America, LabCorp
Classification: Uncertain significance. Last evaluated: 2025-09-03. Review status: criteria provided, single submitter. Criteria: LabCorp Variant Classification Summary - May 2015. Collection method: clinical testing. Allele origin: germline.
Comment: Variant summary: PTCH1 c.-8378C>T (also known as c.82C>T in NM_001083603) is located in the untranscribed region upstream of the PTCH1 gene region. The variant allele was found at a frequency of 8.1e-06 in 247984 control chromosomes (gnomAD). The available data on variant occurrences in the general population are insufficient to allow any conclusion about variant significance. To our knowledge, no occurrence of c.-8378C>T in individuals affected with PTCH1-related conditions and no experimental evidence demonstrating its impact on protein function have been reported. No submitters have cited clinical-significance assessments for this variant to ClinVar. Based on the evidence outlined above, the variant was classified as uncertain significance.